The following is an entry in ClinVar:

NM_000384.3(APOB):c.2405G>A (p.Gly802Asp)

Gene: APOB (apolipoprotein B; minus strand). Cytogenetic location: 2p24.1.
Variant type: single nucleotide variant.
Coding change: c.2405G>A on transcript NM_000384.3 (MANE Select); coding-DNA position 2405, G replaced by A.
Protein change: p.Gly802Asp; replaces glycine 802 with aspartic acid.
Molecular consequence: missense variant.
Genome position (GRCh38, 1-based): chr2:21,024,964, C>T on the plus strand (G>A on the coding strand, the complement: APOB is on the minus strand). VCF-style: chr2-21024964-C-T. GRCh37 (hg19) VCF-style: chr2-21247836-C-T.
Other names: short protein forms G802D.
Identifiers: ClinVar variation 1790788 (VCV001790788.2), dbSNP rs1663696552, ClinGen allele CA346011859.

ClinVar aggregate classification (germline): Uncertain significance (1 of 4 stars; one submission).

Conditions:
Cardiovascular phenotype. Identifiers: MedGen CN230736.

Submission:

Ambry Genetics
Classification: Uncertain significance for Cardiovascular phenotype. Last evaluated: 2022-05-09. Review status: criteria provided, single submitter. Criteria: Ambry Variant Classification Scheme 2023. Collection method: clinical testing. Allele origin: germline.
Comment: The p.G802D variant (also known as c.2405G>A), located in coding exon 16 of the APOB gene, results from a G to A substitution at nucleotide position 2405. The glycine at codon 802 is replaced by aspartic acid, an amino acid with similar properties. This amino acid position is conserved. In addition, this alteration is predicted to be tolerated by in silico analysis. Since supporting evidence is limited at this time, the clinical significance of this alteration remains unclear.